The following is an entry in ClinVar:

NM_007294.4(BRCA1):c.1874del (p.Leu625fs)

Gene: BRCA1 (BRCA1 DNA repair associated; minus strand). Cytogenetic location: 17q21.31.
Variant type: Deletion.
Coding change: c.1874del on transcript NM_007294.4 (MANE Select); coding-DNA position 1874, one base deleted (T; older notation c.1874delT).
Protein change: p.Leu625fs; shifts the reading frame from leucine 625.
Molecular consequence: frameshift variant. On other transcripts: intron variant (137).
Genome position (GRCh38, 1-based): chr17:43,093,657, A deleted on the plus strand (T on the coding strand, the reverse complement: BRCA1 is on the minus strand). VCF-style (leftmost placement, unchanged base first): chr17-43093656-TA-T. GRCh37 (hg19) VCF-style: chr17-41245673-TA-T.
Other names: c.1874del, p.Leu625fs (NM_001407596.1, NM_001407597.1, NM_001407598.1 and 30 more transcripts); c.1871del, p.Leu624fs (NM_001407610.1, NM_001407611.1, NM_001407612.1 and 22 more transcripts); c.1865del, p.Leu622fs (NM_001407646.1, NM_001407647.1); c.1751del, p.Leu584fs (NM_001407648.1, NM_001407664.1, NM_001407665.1 and 19 more transcripts); c.1748del, p.Leu583fs (NM_001407649.1, NM_001407670.1, NM_001407671.1 and 11 more transcripts); c.1796del, p.Leu599fs (NM_001407653.1, NM_001407654.1, NM_001407655.1 and 4 more transcripts); c.1793del, p.Leu598fs (NM_001407659.1, NM_001407660.1, NM_001407661.1 and 1 more transcripts); c.1733del, p.Leu578fs (NM_001407692.1, NM_001407694.1, NM_001407695.1 and 29 more transcripts); and 40 more; short protein forms L329fs, L457fs, L497fs, L498fs, L513fs, L514fs, L536fs, L537fs.
Identifiers: ClinVar variation 3072564 (VCV003072564.1), dbSNP rs2552197446, ClinGen allele CA2825002541.

ClinVar aggregate classification (germline): Pathogenic (1 of 4 stars; one submission).

Conditions:
Breast-ovarian cancer, familial, susceptibility to, 1 (BROVCA1). Also called: BRCA1 Hereditary Breast and Ovarian Cancer; OVARIAN CANCER, SUSCEPTIBILITY TO. Identifiers: Orphanet 145, MedGen C2676676, MONDO:0011450, OMIM 604370. Disease mechanism: loss of function.

Submission:

All of Us Research Program, National Institutes of Health
Classification: Pathogenic for Breast-ovarian cancer, familial, susceptibility to, 1. Last evaluated: 2023-08-14. Review status: criteria provided, single submitter. Criteria: ACMG Guidelines, 2015. Collection method: clinical testing. Allele origin: germline. Inheritance: Autosomal dominant inheritance. Observed: 1 variant allele, 1 heterozygote.
Comment: This variant is predicted to result in loss of protein function through nonsense-mediated or protein truncation. Loss of function is an established mechanism of disease. This variant is absent from large population databases, including the Genome Aggregation Database. To date, this variant has not been reported in association with human disease in the medical literature.

This study involves interpretation of variants in research participants for the purpose of population health screening. Participant phenotype was not available at the time of variant classification. Additional details can be found in publication PMID: 35346344, PMCID: PMC8962531